The following is an entry in ClinVar:

NM_001377137.1(GBF1):c.1866_1867delinsTT (p.Glu622_Ala623delinsAspSer)

Gene: GBF1 (golgi brefeldin A resistant guanine nucleotide exchange factor 1; plus strand). Cytogenetic location: 10q24.32.
Variant type: Indel.
Coding change: c.1866_1867delinsTT on transcript NM_001377137.1 (MANE Select); coding-DNA positions 1866 to 1867, AG replaced by TT.
Protein change: p.Glu622_Ala623delinsAspSer.
Molecular consequence: missense variant. On other transcripts: non-coding transcript variant (5), intron variant (3).
Genome position (GRCh38, 1-based): chr10:102,362,654-102,362,655, AG replaced by TT. VCF-style: chr10-102362654-AG-TT. GRCh37 (hg19) VCF-style: chr10-104122411-AG-TT.
Other names: c.1866_1867delinsTT, p.Glu622_Ala623delinsAspSer (NM_001199378.2, NM_001391923.1); c.1863_1864delinsTT, p.Glu621_Ala622delinsAspSer (NM_001199379.2, NM_001377141.1, NM_001391924.1 and 5 more transcripts); c.1569_1570delinsTT, p.Glu523_Ala524delinsAspSer (NM_001377139.1, NM_001377140.1); c.1962_1963delinsTT, p.Glu654_Ala655delinsAspSer (NM_001391922.1, NM_001411027.1); c.1485_1486delinsTT, p.Glu495_Ala496delinsAspSer (NM_001391931.1); c.1938_1939delinsTT, p.Glu646_Ala647delinsAspSer (NM_001411003.1); c.1840+26_1840+27delinsTT (NM_001391926.1); c.1837+26_1837+27delinsTT (NM_001391925.1, NM_001377138.1).
Identifiers: ClinVar variation 4995926 (VCV004995926.1).
Genomic context (GRCh38, chr10:102,362,654, plus strand): 5'-CCAGCAAGAGAAGAAGGAGACAGCCAGACCAAGCTGTGAGATAGTAGATGGCACCCGAGA[AG>TT]CTAGCAATAGTGAGAGGCATTTCTTTCTTTGATGAACCCAGTGTTCTATGCTTATCCCTT-3'

ClinVar aggregate classification (germline): Uncertain significance (1 of 4 stars; one submission).

Conditions:
GBF1-related disorder. Also called: GBF1-related condition.

Submission:

PreventionGenetics, part of Exact Sciences
Classification: Uncertain significance for GBF1-related condition. Last evaluated: 2026-06-10. Review status: criteria provided, single submitter. Criteria: ACMG Guidelines, 2015. Collection method: clinical testing. Allele origin: germline.
Comment: The GBF1 c.1863_1864delinsTT variant is predicted to result in an in-frame deletion and insertion. To our knowledge, this variant has not been reported in the literature or in a large population database (gnomAD), indicating this variant is rare. At this time, the clinical significance of this variant is uncertain due to the absence of conclusive functional and genetic evidence.